The following is an entry in ClinVar:

ClinVar aggregate classification (germline): Uncertain significance. Review status: criteria provided, multiple submitters, no conflicts (2 of 4 stars). 3 submissions from 3 submitters: Uncertain significance (3). Last evaluated 2025-09-04.

Conditions:
Aplastic anemia. Identifiers: Orphanet 182040, Orphanet 88, MedGen C0002874, MONDO:0015909, OMIM 609135, HP:0001915.
Microcephaly, normal intelligence and immunodeficiency (NBS). Also called: Immunodeficiency, microcephaly with normal intelligence; Nijmegen breakage syndrome; Microcephaly with normal intelligence immunodeficiency and lymphoreticular malignancies; Nonsyndromal microcephaly autosomal recessive with normal intelligence; Seemanova syndrome 2; IMMUNODEFICIENCY, MICROCEPHALY, AND CHROMOSOMAL INSTABILITY. Identifiers: Orphanet 647, MedGen C0398791, MONDO:0009623, OMIM 251260.

Allele frequency attached by ClinVar (database versions not stated): gnomAD exomes below 0.00001.
gnomAD v4.1: 4 of 1,585,056 alleles (0.00025%); highest among the groups gnomAD compares: Non-Finnish European, 0.00035%; no homozygotes.

Submissions (3):

Myriad Genetics, Inc.
Classification: Uncertain significance for Microcephaly, normal intelligence and immunodeficiency. Last evaluated: 2025-09-04. Review status: criteria provided, single submitter. Criteria: Myriad Autosomal Dominant, Autosomal Recessive and X-Linked Classification Criteria (2023). Collection method: clinical testing. Allele origin: unknown.
Comment: NM_002485.4(NBN):c.490G>A(A164T) is a missense variant classified as a variant of uncertain significance in the context of Nijmegen breakage syndrome. A164T has not been observed in cases with relevant disease. Relevant functional assessments of this variant are not available in the literature. A164T has not been observed in referenced population frequency databases. In summary, there is insufficient evidence to classify NM_002485.4(NBN):c.490G>A(A164T) as pathogenic or benign. Please note: this variant was assessed in the context of healthy population screening.

Baylor Genetics
Classification: Uncertain significance for Aplastic anemia. Last evaluated: 2023-11-16. Review status: criteria provided, single submitter. Criteria: ACMG Guidelines, 2015. Collection method: clinical testing. Allele origin: unknown.

Labcorp Genetics (formerly Invitae), Labcorp
Classification: Uncertain significance for Microcephaly, normal intelligence and immunodeficiency. Last evaluated: 2022-07-03. Review status: criteria provided, single submitter. Criteria: Invitae Variant Classification Sherloc (09022015). Collection method: clinical testing. Allele origin: germline.
Comment: In summary, the available evidence is currently insufficient to determine the role of this variant in disease. Therefore, it has been classified as a Variant of Uncertain Significance. Algorithms developed to predict the effect of missense changes on protein structure and function are either unavailable or do not agree on the potential impact of this missense change (SIFT: "Deleterious"; PolyPhen-2: "Possibly Damaging"; Align-GVGD: "Class C0"). ClinVar contains an entry for this variant (Variation ID: 964537). This variant has not been reported in the literature in individuals affected with NBN-related conditions. This variant is not present in population databases (gnomAD no frequency). This sequence change replaces alanine, which is neutral and non-polar, with threonine, which is neutral and polar, at codon 164 of the NBN protein (p.Ala164Thr).

NM_002485.5(NBN):c.490G>A (p.Ala164Thr)

Gene: NBN (nibrin; minus strand). Cytogenetic location: 8q21.3.
Variant type: single nucleotide variant.
Coding change: c.490G>A on transcript NM_002485.5 (MANE Select); coding-DNA position 490, G replaced by A.
Protein change: p.Ala164Thr; replaces alanine 164 with threonine.
Molecular consequence: missense variant.
Genome position (GRCh38, 1-based): chr8:89,978,314, C>T on the plus strand (G>A on the coding strand, the complement: NBN is on the minus strand). VCF-style: chr8-89978314-C-T. GRCh37 (hg19) VCF-style: chr8-90990542-C-T.
Other names: c.244G>A, p.Ala82Thr (NM_001024688.3); short protein forms A82T, A164T.
Identifiers: ClinVar variation 964537 (VCV000964537.11), dbSNP rs786201252, ClinGen allele CA371660696.